The following is an entry in ClinVar:

NM_001349253.2(SCN11A):c.2213C>T (p.Pro738Leu)

Gene: SCN11A (sodium voltage-gated channel alpha subunit 11; minus strand). Cytogenetic location: 3p22.2.
Variant type: single nucleotide variant.
Coding change: c.2213C>T on transcript NM_001349253.2 (MANE Select); coding-DNA position 2213, C replaced by T.
Protein change: p.Pro738Leu; replaces proline 738 with leucine.
Molecular consequence: missense variant.
Genome position (GRCh38, 1-based): chr3:38,897,035, G>A on the plus strand (C>T on the coding strand, the complement: SCN11A is on the minus strand). VCF-style: chr3-38897035-G-A. GRCh37 (hg19) VCF-style: chr3-38938526-G-A.
Other names: p.Pro738Leu; c.2213C>T, p.Pro738Leu (NM_014139.3); short protein forms P738L.
Identifiers: ClinVar variation 474701 (VCV000474701.20), dbSNP rs140995438, ClinGen allele CA2322109.

ClinVar aggregate classification (germline): Benign/Likely benign. Review status: criteria provided, multiple submitters, no conflicts (2 of 4 stars). 8 submissions from 8 submitters: Benign (2); Likely benign (3). 3 of the submissions do not count toward it. Last evaluated 2025-12-27.

Conditions:
SCN11A-related disorder. Also called: SCN11A-related condition.
Inborn genetic diseases. Identifiers: MedGen C0950123, MeSH D030342.
Hereditary sensory and autonomic neuropathy type 7. Also called: HSAN VII; Neuropathy, hereditary sensory and autonomic, type VII. Identifiers: Orphanet 391397, MedGen C3809882, MONDO:0014244, OMIM 615548.
Familial episodic pain syndrome with predominantly lower limb involvement. Also called: Episodic pain syndrome, familial, 3. Identifiers: Orphanet 391384, Orphanet 391392, MedGen C3809899, MONDO:0014247, OMIM 615552.

Allele frequency attached by ClinVar (database versions not stated): gnomAD exomes 0.00018 and 0.00036; ExAC 0.00038; 1000 Genomes Project 30x 0.00078; 1000 Genomes Project 0.00100; ESP Exome Variant Server 0.00138; gnomAD 0.00152 and 0.00163; TOPMed 0.00165.
gnomAD v4.1: 490 of 1,614,030 alleles (0.03%); highest among the groups gnomAD compares: African/African-American, 0.59%; 3 homozygotes.

Submissions (8):

Labcorp Genetics (formerly Invitae), Labcorp
Classification: Likely benign for Familial episodic pain syndrome with predominantly lower limb involvement; Hereditary sensory and autonomic neuropathy type 7. Last evaluated: 2025-12-27. Review status: criteria provided, single submitter. Criteria: Invitae Variant Classification Sherloc (09022015). Collection method: clinical testing. Allele origin: germline.

Mayo Clinic Laboratories, Mayo Clinic
Classification: Benign. Last evaluated: 2025-08-27. Review status: criteria provided, single submitter. Criteria: ACMG Guidelines, 2015. Collection method: clinical testing. Allele origin: germline. Observed: 1 variant allele.
Comment: BA1

Blueprint Genetics
Classification: Likely benign. Last evaluated: 2024-07-05. Review status: criteria provided, single submitter. Criteria: ACMG Guidelines, 2015. Collection method: clinical testing. Allele origin: germline.

Ambry Genetics
Classification: Likely benign for Inborn genetic diseases. Last evaluated: 2020-01-21. Review status: criteria provided, single submitter. Criteria: Ambry Variant Classification Scheme 2023. Collection method: clinical testing. Allele origin: germline.

GeneDx
Classification: Benign. Last evaluated: 2020-01-16. Review status: criteria provided, single submitter. Criteria: GeneDx Variant Classification Process June 2021. Collection method: clinical testing. Allele origin: germline. Affected: yes.

PreventionGenetics, part of Exact Sciences
Classification: Benign for SCN11A-related condition. Last evaluated: 2019-08-13. Review status: no assertion criteria provided. Collection method: clinical testing. Allele origin: germline. Not counted in ClinVar's aggregate classification.
Comment: This variant is classified as benign based on ACMG/AMP sequence variant interpretation guidelines (Richards et al. 2015 PMID: 25741868, with internal and published modifications).

Genome Diagnostics Laboratory, University Medical Center Utrecht
Classification: Likely benign. Review status: no assertion criteria provided. Collection method: clinical testing. Allele origin: germline. Affected: yes. Study: VKGL Data-share Consensus. Not counted in ClinVar's aggregate classification.

Joint Genome Diagnostic Labs from Nijmegen and Maastricht, Radboudumc and MUMC+
Classification: Likely benign. Review status: no assertion criteria provided. Collection method: clinical testing. Allele origin: germline. Affected: yes. Study: VKGL Data-share Consensus. Not counted in ClinVar's aggregate classification.